The following is an entry in ClinVar:

NM_005560.6(LAMA5):c.2382C>T (p.Thr794=)

Gene: LAMA5 (laminin subunit alpha 5; minus strand). Cytogenetic location: 20q13.33.
Variant type: single nucleotide variant.
Coding change: c.2382C>T on transcript NM_005560.6 (MANE Select); coding-DNA position 2382, C replaced by T.
Protein change: p.Thr794=; no amino-acid change (threonine 794 retained).
Molecular consequence: synonymous variant.
Genome position (GRCh38, 1-based): chr20:62,335,121, G>A on the plus strand (C>T on the coding strand, the complement: LAMA5 is on the minus strand). VCF-style: chr20-62335121-G-A. GRCh37 (hg19) VCF-style: chr20-60910177-G-A.
Other names: p.Thr794=.
Identifiers: ClinVar variation 783870 (VCV000783870.11), dbSNP rs78320252, ClinGen allele CA9943451.

ClinVar aggregate classification (germline): Benign/Likely benign. Review status: criteria provided, multiple submitters, no conflicts (2 of 4 stars). 3 submissions from 3 submitters: Benign (2); Likely benign (1). Last evaluated 2025-12-29.

Allele frequency attached by ClinVar (database versions not stated): ESP Exome Variant Server 0.00638; TOPMed 0.00724; 1000 Genomes Project 0.00839; 1000 Genomes Project 30x 0.00999.
gnomAD v4.1: 2,249 of 1,612,844 alleles (0.14%); highest among the groups gnomAD compares: African/African-American, 2.4%; 19 homozygotes.

Submissions (3):

Labcorp Genetics (formerly Invitae), Labcorp
Classification: Benign. Last evaluated: 2025-12-29. Review status: criteria provided, single submitter. Criteria: Invitae Variant Classification Sherloc (09022015). Collection method: clinical testing. Allele origin: germline.

Mayo Clinic Laboratories, Mayo Clinic
Classification: Likely benign. Last evaluated: 2025-09-28. Review status: criteria provided, single submitter. Criteria: ACMG Guidelines, 2015. Collection method: clinical testing. Allele origin: germline. Observed: 2 variant alleles.
Comment: BS1, BP4, BP7

Breakthrough Genomics
Classification: Benign. Review status: criteria provided, single submitter. Criteria: ACMG Guidelines, 2015. Collection method: not provided. Allele origin: germline. Inheritance: Autosomal recessive inheritance. Affected: yes.